The following is an entry in ClinVar:

NM_002335.4(LRP5):c.2318+1G>T

Gene: LRP5 (LDL receptor related protein 5; plus strand). Cytogenetic location: 11q13.2.
Variant type: single nucleotide variant.
Coding change: c.2318+1G>T on transcript NM_002335.4 (MANE Select); the canonical splice donor site of the intron after coding-DNA position 2318, G replaced by T.
Molecular consequence: splice donor variant.
Genome position (GRCh38, 1-based): chr11:68,410,141, G>T. VCF-style: chr11-68410141-G-T. GRCh37 (hg19) VCF-style: chr11-68177609-G-T.
Other names: c.575+1G>T (NM_001291902.2).
Identifiers: ClinVar variation 2035831 (VCV002035831.4), dbSNP rs2496741235, ClinGen allele CA381616746.

ClinVar aggregate classification (germline): Likely pathogenic (1 of 4 stars; one submission).

Submission:

Labcorp Genetics (formerly Invitae), Labcorp
Classification: Likely pathogenic. Last evaluated: 2022-12-04. Review status: criteria provided, single submitter. Criteria: Invitae Variant Classification Sherloc (09022015). Collection method: clinical testing. Allele origin: germline.
Comment: In summary, the currently available evidence indicates that the variant is pathogenic, but additional data are needed to prove that conclusively. Therefore, this variant has been classified as Likely Pathogenic. Algorithms developed to predict the effect of sequence changes on RNA splicing suggest that this variant may disrupt the consensus splice site. This sequence change affects a donor splice site in intron 10 of the LRP5 gene. It is expected to disrupt RNA splicing. Variants that disrupt the donor or acceptor splice site typically lead to a loss of protein function (PMID: 16199547), and loss-of-function variants in LRP5 are known to be pathogenic (PMID: 11719191, 16252235, 25711638). This variant is not present in population databases (gnomAD no frequency). This variant has not been reported in the literature in individuals affected with LRP5-related conditions.

Literature cited by the submitters: PubMed 16199547; PubMed 11719191; PubMed 16252235; PubMed 25711638.